The following is an entry in ClinVar:

ClinVar aggregate classification (germline): Conflicting classifications of pathogenicity. Review status: criteria provided, conflicting classifications (1 of 4 stars). 6 submissions from 2 submitters: Uncertain significance (3); Benign (2). 1 of the submissions does not count toward it. Last evaluated 2018-01-13.

Conditions:
Dilated cardiomyopathy 1G (CMD1G). Identifiers: Orphanet 154, MedGen C1858763, MONDO:0011400, OMIM 604145.
TTN-related disorder. Also called: TTN-related condition; TTN-related disease; TTN-related disorders.
Early-onset myopathy with fatal cardiomyopathy (CMYO5). Also called: CONGENITAL MYOPATHY 5 WITH CARDIOMYOPATHY; Salih Myopathy. Identifiers: Orphanet 289377, MedGen C2673677, MONDO:0012714, OMIM 611705. Disease mechanism: loss of function.
Myopathy, myofibrillar, 9, with early respiratory failure (MFM9). Also called: Myopathy, distal, with early respiratory failure, autosomal dominant; Hereditary myopathy with early respiratory failure; EDSTROM MYOPATHY; MYOPATHY, PROXIMAL, WITH EARLY RESPIRATORY MUSCLE INVOLVEMENT. Identifiers: Orphanet 178464, Orphanet 34521, MedGen C1863599, MONDO:0011362, OMIM 603689.
Tibial muscular dystrophy (TMD). Also called: Udd Distal Myopathy – Tibial Muscular Dystrophy; UDD MYOPATHY; Tibial muscular dystrophy, tardive. Identifiers: Orphanet 609, MedGen C1838244, MONDO:0010870, OMIM 600334.
Autosomal recessive limb-girdle muscular dystrophy type 2J (LGMDR10). Also called: MUSCULAR DYSTROPHY, LIMB-GIRDLE, AUTOSOMAL RECESSIVE 10; Limb-girdle muscular dystrophy, type 2J. Identifiers: Orphanet 140922, MedGen C1837342, MONDO:0012127, OMIM 608807.

Allele frequency attached by ClinVar (database versions not stated): gnomAD 0.00001; gnomAD exomes 0.00002 and 0.00005; ExAC 0.00006; 1000 Genomes Project 30x 0.00031; 1000 Genomes Project 0.00040.
gnomAD v4.1: 35 of 1,612,382 alleles (0.0022%); highest among the groups gnomAD compares: South Asian, 0.033%; no homozygotes.

Submissions (6):

Illumina Laboratory Services, Illumina
Classification: Uncertain significance for Dilated cardiomyopathy 1G. Last evaluated: 2018-01-13. Review status: criteria provided, single submitter. Criteria: ICSL Variant Classification Criteria 13 December 2019. Collection method: clinical testing. Allele origin: germline.

Illumina Laboratory Services, Illumina
Classification: Benign for Myopathy, myofibrillar, 9, with early respiratory failure. Last evaluated: 2018-01-13. Review status: criteria provided, single submitter. Criteria: ICSL Variant Classification Criteria 13 December 2019. Collection method: clinical testing. Allele origin: germline.
Comment: This variant was observed in the ICSL laboratory as part of a predisposition screen in an ostensibly healthy population. It had not been previously curated by ICSL or reported in the Human Gene Mutation Database (HGMD: prior to June 1st, 2018), and was therefore a candidate for classification through an automated scoring system. Utilizing variant allele frequency, disease prevalence and penetrance estimates, and inheritance mode, an automated score was calculated to assess if this variant is too frequent to cause the disease. Based on the score and internal cut-off values, a variant classified as benign is not then subjected to further curation. The score for this variant resulted in a classification of benign for this disease.

Illumina Laboratory Services, Illumina
Classification: Uncertain significance for Autosomal recessive limb-girdle muscular dystrophy type 2J. Last evaluated: 2018-01-13. Review status: criteria provided, single submitter. Criteria: ICSL Variant Classification Criteria 13 December 2019. Collection method: clinical testing. Allele origin: germline.

Illumina Laboratory Services, Illumina
Classification: Uncertain significance for Early-onset myopathy with fatal cardiomyopathy. Last evaluated: 2018-01-13. Review status: criteria provided, single submitter. Criteria: ICSL Variant Classification Criteria 13 December 2019. Collection method: clinical testing. Allele origin: germline.

Illumina Laboratory Services, Illumina
Classification: Benign for Tibial muscular dystrophy. Last evaluated: 2018-01-13. Review status: criteria provided, single submitter. Criteria: ICSL Variant Classification Criteria 13 December 2019. Collection method: clinical testing. Allele origin: germline.
Comment: the same text as in the submission from Illumina Laboratory Services, Illumina above.

PreventionGenetics, part of Exact Sciences
Classification: Uncertain significance for TTN-related condition. Last evaluated: 2024-07-23. Review status: no assertion criteria provided. Collection method: clinical testing. Allele origin: germline. Not counted in ClinVar's aggregate classification.
Comment: The TTN c.81217C>T variant is predicted to result in the amino acid substitution p.Pro27073Ser. To our knowledge, this variant has not been reported in the literature. This variant is reported in 0.040% of alleles in individuals of South Asian descent in gnomAD. At this time, the clinical significance of this variant is uncertain due to the absence of conclusive functional and genetic evidence.

NM_001267550.2(TTN):c.81217C>T (p.Pro27073Ser)

Genes: TTN (titin; minus strand), TTN-AS1 (TTN antisense RNA 1; plus strand). Cytogenetic location: 2q31.2.
Variant type: single nucleotide variant.
Coding change: c.81217C>T on transcript NM_001267550.2 (MANE Select); coding-DNA position 81217, C replaced by T.
Protein change: p.Pro27073Ser; replaces proline 27073 with serine.
Molecular consequence: missense variant.
Genome position (GRCh38, 1-based): chr2:178,564,915, G>A on the plus strand (C>T on the coding strand, the complement: TTN is on the minus strand). VCF-style: chr2-178564915-G-A. GRCh37 (hg19) VCF-style: chr2-179429642-G-A.
Other names: c.76294C>T, p.Pro25432Ser (NM_001256850.1); c.54022C>T, p.Pro18008Ser (NM_003319.4); c.73513C>T, p.Pro24505Ser (NM_133378.4); c.54397C>T, p.Pro18133Ser (NM_133432.3); c.54598C>T, p.Pro18200Ser (NM_133437.4); short protein forms P24505S, P27073S, P18200S, P25432S, P18008S, P18133S.
Identifiers: ClinVar variation 332762 (VCV000332762.6), dbSNP rs542799302, ClinGen allele CA1989238.